The following is an entry in ClinVar:

ClinVar aggregate classification (germline): Likely pathogenic (1 of 4 stars; one submission).

Conditions:
Septo-optic dysplasia sequence (SOD). Also called: DE MORSIER SYNDROME; Septo-optic dysplasia. Identifiers: Orphanet 3157, MedGen C0338503, MONDO:0008428, OMIM 182230, HP:0100842.
Tubulinopathy. Also called: Tubulinopathies. Identifiers: MedGen CN850169, MONDO:0100153.

Submission:

Shaikh Laboratory, University of Colorado
Classification: Likely pathogenic for Septo-optic dysplasia sequence. Last evaluated: 2016-10-06. Review status: criteria provided, single submitter. Criteria: ACMG Guidelines, 2015. Collection method: research. Allele origin: germline. Inheritance: Autosomal recessive inheritance. Affected: yes. Observed: 1 variant allele, 1 compound heterozygote.
Comment: Classification based on ACMG guidelines.

NM_020336.3(RALGAPB):c.[1918A>G];[2324G>T]

Variant type: CompoundHeterozygote.
Identifiers: ClinVar variation 427836 (VCV000427836.2).